The following is an entry in ClinVar:

NM_000132.4(F8):c.2113+1152del

Gene: F8 (coagulation factor VIII; minus strand). Cytogenetic location: Xq28.
Variant type: Deletion.
Coding change: c.2113+1152del on transcript NM_000132.4 (MANE Select); 1152 bases into the intron after coding-DNA position 2113, one base deleted (A; older notation c.2113+1152delA).
Molecular consequence: intron variant.
Genome position (GRCh38, 1-based): chrX:154,946,546, T deleted on the plus strand (A on the coding strand, the reverse complement: F8 is on the minus strand). VCF-style (leftmost placement, unchanged base first): chrX-154946545-CT-C. GRCh37 (hg19) VCF-style: chrX-154174820-CT-C.
Other names: c.2113+1152delA (NM_000132.4).
Identifiers: ClinVar variation 3902250 (VCV003902250.1).
Genomic context (GRCh38, chrX:154,946,545, plus strand): 5'-TCTTCAATAAATGGTGTGGGAAAACTGGATATCCACATGCAGAAGAATGAAACTATACCC[CT>C]ATCTCTCACTATATACAAAAATCAAATCAAAATGGATTAGAGACTAAAATATACAACCTG-3'

ClinVar aggregate classification (germline): Likely pathogenic (1 of 4 stars; one submission).

Conditions:
Hereditary factor VIII deficiency disease (HEMA). Also called: HEMOPHILIA, CLASSIC; AUTOSOMAL HEMOPHILIA A; Hemophilia A; Hemophilia A, congenital; HEM A; Factor 8 deficiency, congenital. Identifiers: Orphanet 98878, MedGen C0019069, MONDO:0010602, OMIM 306700.

Submission:

Women's Health and Genetics/Laboratory Corporation of America, LabCorp
Classification: Likely pathogenic for Hereditary factor VIII deficiency disease. Last evaluated: 2025-05-13. Review status: criteria provided, single submitter. Criteria: LabCorp Variant Classification Summary - May 2015. Collection method: clinical testing. Allele origin: germline.
Comment: Variant summary: F8 c.2113+1152delA is located at a position not widely known to affect splicing. Consensus agreement among computation tools predict no significant impact on normal splicing. At least two publications report experimental evidence that this variant affects mRNA splicing and causes the generation of a novel premature termination codon (Castaman_2011, Dericquebourg_2023). The variant was absent in 242518 control chromosomes (gnomAD). c.2113+1152delA has been observed in individuals affected with Factor VIII Deficiency (Hemophilia A) (Castaman_201, Dericquebourg_2023). These data indicate that the variant may be associated with disease. The following publications have been ascertained in the context of this evaluation (PMID: 21689372, 37410802). No submitters have cited clinical-significance assessments for this variant to ClinVar. Based on the evidence outlined above, the variant was classified as likely pathogenic.

Literature cited by the submitters: PubMed 21689372; PubMed 37410802.